The following is an entry in ClinVar:

NM_004519.4(KCNQ3):c.2368C>G (p.Leu790Val)

Gene: KCNQ3 (potassium voltage-gated channel subfamily Q member 3; minus strand). Cytogenetic location: 8q24.22.
Variant type: single nucleotide variant.
Coding change: c.2368C>G on transcript NM_004519.4 (MANE Select); coding-DNA position 2368, C replaced by G.
Protein change: p.Leu790Val; replaces leucine 790 with valine.
Molecular consequence: missense variant.
Genome position (GRCh38, 1-based): chr8:132,129,513, G>C on the plus strand (C>G on the coding strand, the complement: KCNQ3 is on the minus strand). VCF-style: chr8-132129513-G-C. GRCh37 (hg19) VCF-style: chr8-133141760-G-C.
Other names: c.2008C>G, p.Leu670Val (NM_001204824.2); short protein forms L790V, L670V.
Identifiers: ClinVar variation 2916148 (VCV002916148.1), dbSNP rs2536856990, ClinGen allele CA372216045.
Genomic context (GRCh38, chr8:132,129,513, plus strand): 5'-AGATGCTGAAGCCACTTGGAGACCTCTCCAGCTCCTCGTGGTTGACCGACATCAGGGACA[G>C]AGGTGTGTCACTGTCTCGCGTGATGCTACGTCTCTGCCGGGGGGAGATTCGGTCCGAGTA-3'
Protein context (NP_004510.1, residues 780-800): RSITRDSDTP[Leu790Val]SLMSVNHEEL

ClinVar aggregate classification (germline): Uncertain significance (1 of 4 stars; one submission).

Conditions:
Benign neonatal seizures. Also called: Benign familial neonatal seizures; Benign neonatal familial convulsions; Benign familial neonatal epilepsy; Convulsions benign familial neonatal dominant form; Autosomal dominant form of benign neonatal seizures. Identifiers: Orphanet 1949, MedGen C0220669, MONDO:0016027.

Allele frequency attached by ClinVar (database versions not stated): gnomAD exomes below 0.00001.
gnomAD v4.1: 1 of 1,614,212 alleles (0.000062%); highest among the groups gnomAD compares: East Asian, 0.0022%; no homozygotes.

Submission:

Labcorp Genetics (formerly Invitae), Labcorp
Classification: Uncertain significance for Benign neonatal seizures. Last evaluated: 2023-04-04. Review status: criteria provided, single submitter. Criteria: Invitae Variant Classification Sherloc (09022015). Collection method: clinical testing. Allele origin: germline.
Comment: In summary, the available evidence is currently insufficient to determine the role of this variant in disease. Therefore, it has been classified as a Variant of Uncertain Significance. Advanced modeling of protein sequence and biophysical properties (such as structural, functional, and spatial information, amino acid conservation, physicochemical variation, residue mobility, and thermodynamic stability) performed at Invitae indicates that this missense variant is not expected to disrupt KCNQ3 protein function. This variant has not been reported in the literature in individuals affected with KCNQ3-related conditions. This variant is not present in population databases (gnomAD no frequency). This sequence change replaces leucine, which is neutral and non-polar, with valine, which is neutral and non-polar, at codon 790 of the KCNQ3 protein (p.Leu790Val).